The following is an entry in ClinVar:

ClinVar aggregate classification (germline): Benign. Review status: criteria provided, multiple submitters, no conflicts (2 of 4 stars). 3 submissions from 3 submitters: Benign (3). Last evaluated 2021-05-08.

Conditions:
Weill-Marchesani 4 syndrome, recessive. Also called: Weill-Marchesani syndrome 4. Identifiers: Orphanet 363992, MedGen C2750787, MONDO:0013176, OMIM 613195.

Allele frequency attached by ClinVar (database versions not stated): gnomAD exomes 0.45313; 1000 Genomes Project 0.57388; 1000 Genomes Project 30x 0.57886; TOPMed 0.60498; gnomAD 0.62090 and 0.62345.
gnomAD v4.1: 94,211 of 151,800 alleles (62%); highest among the groups gnomAD compares: Non-Finnish European, 66%; 29,493 homozygotes.

Submissions (3):

GeneDx
Classification: Benign. Last evaluated: 2021-05-08. Review status: criteria provided, single submitter. Criteria: GeneDx Variant Classification Process June 2021. Collection method: clinical testing. Allele origin: germline. Affected: yes.

Illumina Laboratory Services, Illumina
Classification: Benign for Weill-Marchesani 4 syndrome, recessive. Last evaluated: 2018-01-13. Review status: criteria provided, single submitter. Criteria: ICSL Variant Classification Criteria 13 December 2019. Collection method: clinical testing. Allele origin: germline.
Comment: This variant was observed in the ICSL laboratory as part of a predisposition screen in an ostensibly healthy population. It had not been previously curated by ICSL or reported in the Human Gene Mutation Database (HGMD: prior to June 1st, 2018), and was therefore a candidate for classification through an automated scoring system. Utilizing variant allele frequency, disease prevalence and penetrance estimates, and inheritance mode, an automated score was calculated to assess if this variant is too frequent to cause the disease. Based on the score and internal cut-off values, a variant classified as benign is not then subjected to further curation. The score for this variant resulted in a classification of benign for this disease.

Breakthrough Genomics
Classification: Benign. Review status: criteria provided, single submitter. Criteria: ACMG Guidelines, 2015. Collection method: not provided. Allele origin: germline. Inheritance: Autosomal recessive inheritance. Affected: yes.

NM_139057.4(ADAMTS17):c.*885A>G

Gene: ADAMTS17 (ADAM metallopeptidase with thrombospondin type 1 motif 17; minus strand). Cytogenetic location: 15q26.3.
Variant type: single nucleotide variant.
Coding change: c.*885A>G on transcript NM_139057.4 (MANE Select); 885 bases downstream of the stop codon, A replaced by G.
Molecular consequence: 3 prime UTR variant.
Genome position (GRCh38, 1-based): chr15:99,973,517, T>C on the plus strand (A>G on the coding strand, the complement: ADAMTS17 is on the minus strand). VCF-style: chr15-99973517-T-C. GRCh37 (hg19) VCF-style: chr15-100513722-T-C.
Identifiers: ClinVar variation 315208 (VCV000315208.7), dbSNP rs2727198, ClinGen allele CA10646871.